The following is an entry in ClinVar:

ClinVar aggregate classification (germline): Conflicting classifications of pathogenicity. Review status: criteria provided, conflicting classifications (1 of 4 stars). 2 submissions from 2 submitters: Uncertain significance (1); Likely benign (1). Last evaluated 2023-03-04.

Conditions:
Familial isolated arrhythmogenic right ventricular dysplasia. Identifiers: Orphanet 217656, MedGen C4274968, MONDO:0016342.

Submissions (2):

All of Us Research Program, National Institutes of Health
Classification: Uncertain significance for Familial isolated arrhythmogenic right ventricular dysplasia. Last evaluated: 2023-03-04. Review status: criteria provided, single submitter. Criteria: ACMG Guidelines, 2015. Collection method: clinical testing. Allele origin: germline. Inheritance: Autosomal dominant inheritance. Observed: 1 variant allele, 1 heterozygote.
Comment: This study involves interpretation of variants in research participants for the purpose of population health screening. Participant phenotype was not available at the time of variant classification. Additional details can be found in publication PMID: 35346344, PMCID: PMC8962531

Blueprint Genetics
Classification: Likely benign. Last evaluated: 2020-02-17. Review status: criteria provided, single submitter. Criteria: ACMG Guidelines, 2015. Collection method: clinical testing. Allele origin: germline.

NM_024422.6(DSC2):c.1558A>T (p.Ile520Phe)

Gene: DSC2 (desmocollin 2; minus strand). Cytogenetic location: 18q12.1.
Variant type: single nucleotide variant.
Coding change: c.1558A>T on transcript NM_024422.6 (MANE Select); coding-DNA position 1558, A replaced by T.
Protein change: p.Ile520Phe; replaces isoleucine 520 with phenylalanine.
Molecular consequence: missense variant.
Genome position (GRCh38, 1-based): chr18:31,079,952, T>A on the plus strand (A>T on the coding strand, the complement: DSC2 is on the minus strand). VCF-style: chr18-31079952-T-A. GRCh37 (hg19) VCF-style: chr18-28659918-T-A.
Other names: c.1129A>T, p.Ile377Phe (NM_001406506.1, NM_001406507.1); c.1558A>T, p.Ile520Phe (NM_004949.5); short protein forms I377F, I520F.
Identifiers: ClinVar variation 3069869 (VCV003069869.2), dbSNP rs529156029, ClinGen allele CA402108158.